The following is an entry in ClinVar:

ClinVar aggregate classification (germline): Pathogenic (1 of 4 stars; one submission).

Submission:

Labcorp Genetics (formerly Invitae), Labcorp
Classification: Pathogenic. Last evaluated: 2021-05-25. Review status: criteria provided, single submitter. Criteria: Invitae Variant Classification Sherloc (09022015). Collection method: clinical testing. Allele origin: germline.
Comment: For these reasons, this variant has been classified as Pathogenic. This variant disrupts the C-terminus of the PHEX protein. Other variant(s) that disrupt this region (p.Arg747*) have been determined to be pathogenic (PMID: 9199930, 9768674). This suggests that variants that disrupt this region of the protein are likely to be causative of disease. This variant has not been reported in the literature in individuals with PHEX-related conditions. This variant is not present in population databases (ExAC no frequency). This sequence change creates a premature translational stop signal (p.Ala709Valfs*31) in the PHEX gene. While this is not anticipated to result in nonsense mediated decay, it is expected to disrupt the last 41 amino acid(s) of the PHEX protein.

Literature cited by the submitters: PubMed 9199930; PubMed 9768674.

NM_000444.6(PHEX):c.2126del (p.Ala709fs)

Genes: PHEX (phosphate regulating endopeptidase X-linked; plus strand), PTCHD1-AS (PTCHD1 and PHEX antisense RNA; minus strand). Cytogenetic location: Xp22.11.
Variant type: Deletion.
Coding change: c.2126del on transcript NM_000444.6 (MANE Select); coding-DNA position 2126, one base deleted (C; older notation c.2126delC).
Protein change: p.Ala709fs; shifts the reading frame from alanine 709.
Molecular consequence: frameshift variant. On other transcripts: intron variant (1).
Genome position (GRCh38, 1-based): chrX:22,245,388, C deleted. VCF-style (leftmost placement, unchanged base first): chrX-22245387-GC-G. GRCh37 (hg19) VCF-style: chrX-22263504-GC-G.
Other names: c.2071-2463del (NM_001282754.2); short protein forms A709fs.
Identifiers: ClinVar variation 1364748 (VCV001364748.8), dbSNP rs2147214096, ClinGen allele CA2573158548.